The following is an entry in ClinVar:

ClinVar aggregate classification (germline): Uncertain significance (1 of 4 stars; one submission).

gnomAD v4.1: 3 of 1,614,056 alleles (0.00019%); highest among the groups gnomAD compares: Middle Eastern, 0.05%; no homozygotes.

Submission:

Labcorp Genetics (formerly Invitae), Labcorp
Classification: Uncertain significance. Last evaluated: 2022-08-31. Review status: criteria provided, single submitter. Criteria: Invitae Variant Classification Sherloc (09022015). Collection method: clinical testing. Allele origin: germline.
Comment: In summary, the available evidence is currently insufficient to determine the role of this variant in disease. Therefore, it has been classified as a Variant of Uncertain Significance. Algorithms developed to predict the effect of missense changes on protein structure and function output the following: SIFT: "Tolerated"; PolyPhen-2: "Possibly Damaging"; Align-GVGD: "Class C0". The glycine amino acid residue is found in multiple mammalian species, which suggests that this missense change does not adversely affect protein function. This variant has not been reported in the literature in individuals affected with SON-related conditions. This variant is present in population databases (no rsID available, gnomAD 0.0009%). This sequence change replaces alanine, which is neutral and non-polar, with glycine, which is neutral and non-polar, at codon 1605 of the SON protein (p.Ala1605Gly).

NM_138927.4(SON):c.4814C>G (p.Ala1605Gly)

Gene: SON (SON DNA and RNA binding protein; plus strand). Cytogenetic location: 21q22.11.
Variant type: single nucleotide variant.
Coding change: c.4814C>G on transcript NM_138927.4 (MANE Select); coding-DNA position 4814, C replaced by G.
Protein change: p.Ala1605Gly; replaces alanine 1605 with glycine.
Molecular consequence: missense variant. On other transcripts: non-coding transcript variant (1), intron variant (1).
Genome position (GRCh38, 1-based): chr21:33,554,045, C>G. VCF-style: chr21-33554045-C-G. GRCh37 (hg19) VCF-style: chr21-34926351-C-G.
Other names: c.4814C>G, p.Ala1605Gly (NM_001291411.2, NM_001412133.1, NM_032195.3 and 2 more transcripts); c.245-3111C>G (NM_001291412.3); short protein forms A1605G.
Identifiers: ClinVar variation 2065744 (VCV002065744.4), dbSNP rs753739238, ClinGen allele CA410163437.